The following is an entry in ClinVar:

NM_001379500.1(COL18A1):c.107-12229_107-12228del

Gene: COL18A1 (collagen type XVIII alpha 1 chain; plus strand). Cytogenetic location: 21q22.3.
Variant type: Deletion.
Coding change: c.107-12229_107-12228del on transcript NM_001379500.1 (MANE Select); 12229 bases into the intron before coding-DNA position 107 through 12228 bases into the intron before coding-DNA position 107, 2 bases deleted (CC; older notation c.107-12229_107-12228delCC).
Molecular consequence: intron variant. On other transcripts: frameshift variant (2).
Genome position (GRCh38, 1-based): chr21:45,456,013-45,456,014, CC deleted; deleting any 2 consecutive bases within chr21:45,456,009-45,456,014 gives the same sequence; the c. name uses the placement nearest the transcript's 3' end. VCF-style (leftmost placement, unchanged base first): chr21-45456008-ACC-A. GRCh37 (hg19) VCF-style: chr21-46875922-ACC-A.
Other names: c.483_484del, p.Gln162fs (NM_030582.4, NM_130444.3); short protein forms Q162fs.
Identifiers: ClinVar variation 1351898 (VCV001351898.6), dbSNP rs766977257, ClinGen allele CA10065489.

ClinVar aggregate classification (germline): Uncertain significance (1 of 4 stars; one submission).

Submission:

Labcorp Genetics (formerly Invitae), Labcorp
Classification: Uncertain significance. Last evaluated: 2023-12-06. Review status: criteria provided, single submitter. Criteria: Invitae Variant Classification Sherloc (09022015). Collection method: clinical testing. Allele origin: germline.
Comment: The COL18A1 gene has multiple clinically relevant transcripts. This variant occurs in alternate transcript NM_030582.3, and corresponds to NM_130445.3:c.107-12229_107-12228del in the primary transcript. This sequence change creates a premature translational stop signal (p.Gln162Glyfs*14) in the COL18A1 gene. While this is not anticipated to result in nonsense mediated decay, it is expected to disrupt the last 1,355 amino acid(s) of the COL18A1 protein. This variant is present in population databases (rs771299625, gnomAD 0.01%). This variant has not been reported in the literature in individuals affected with COL18A1-related conditions. ClinVar contains an entry for this variant (Variation ID: 1351898). Experimental studies and prediction algorithms are not available or were not evaluated, and the functional significance of this variant is currently unknown. Algorithms developed to predict the effect of sequence changes on RNA splicing suggest that this variant is not likely to affect RNA splicing. In summary, the available evidence is currently insufficient to determine the role of this variant in disease. Therefore, it has been classified as a Variant of Uncertain Significance.